The following is an entry in ClinVar:

NM_004859.4(CLTC):c.1913G>A (p.Arg638His)

Gene: CLTC (clathrin heavy chain; plus strand). Cytogenetic location: 17q23.1.
Variant type: single nucleotide variant.
Coding change: c.1913G>A on transcript NM_004859.4 (MANE Select); coding-DNA position 1913, G replaced by A.
Protein change: p.Arg638His; replaces arginine 638 with histidine.
Molecular consequence: missense variant.
Genome position (GRCh38, 1-based): chr17:59,666,610, G>A. VCF-style: chr17-59666610-G-A. GRCh37 (hg19) VCF-style: chr17-57743971-G-A.
Other names: c.1925G>A, p.Arg642His (NM_001288653.2); short protein forms R638H, R642H.
Identifiers: ClinVar variation 1417128 (VCV001417128.7), dbSNP rs778341773, ClinGen allele CA8681314.

ClinVar aggregate classification (germline): Uncertain significance. Review status: criteria provided, single submitter (1 of 4 stars). 2 submissions from 2 submitters: Uncertain significance (1). 1 of the submissions does not count toward it. Last evaluated 2021-09-28.

Allele frequency attached by ClinVar (database versions not stated): ExAC 0.00001; gnomAD exomes 0.00001 and 0.00002.

Submissions (2):

Labcorp Genetics (formerly Invitae), Labcorp
Classification: Uncertain significance. Last evaluated: 2021-09-28. Review status: criteria provided, single submitter. Criteria: Invitae Variant Classification Sherloc (09022015). Collection method: clinical testing. Allele origin: germline.
Comment: This sequence change replaces arginine with histidine at codon 642 of the CLTC protein (p.Arg642His). The arginine residue is highly conserved and there is a small physicochemical difference between arginine and histidine. In summary, the available evidence is currently insufficient to determine the role of this variant in disease. Therefore, it has been classified as a Variant of Uncertain Significance. Algorithms developed to predict the effect of missense changes on protein structure and function are either unavailable or do not agree on the potential impact of this missense change (SIFT: "Deleterious"; PolyPhen-2: "Not Available"; Align-GVGD: "Class C0"). This variant has not been reported in the literature in individuals affected with CLTC-related conditions. This variant is present in population databases (rs778341773, ExAC 0.002%).

Genetics and Genomic Medicine Centre, NeuroGen Healthcare, NeuroGen Healthcare
Classification: Uncertain significance. Last evaluated: 2022-05-01. Review status: no assertion criteria provided. Collection method: clinical testing. Allele origin: unknown. Affected: yes. Not counted in ClinVar's aggregate classification.